The following is an entry in ClinVar:

NM_004656.4(BAP1):c.2021T>G (p.Phe674Cys)

Gene: BAP1 (BRCA1 associated deubiquitinase 1; minus strand). Cytogenetic location: 3p21.1.
Variant type: single nucleotide variant.
Coding change: c.2021T>G on transcript NM_004656.4 (MANE Select); coding-DNA position 2021, T replaced by G.
Protein change: p.Phe674Cys; replaces phenylalanine 674 with cysteine.
Molecular consequence: missense variant.
Genome position (GRCh38, 1-based): chr3:52,402,637, A>C on the plus strand (T>G on the coding strand, the complement: BAP1 is on the minus strand). VCF-style: chr3-52402637-A-C. GRCh37 (hg19) VCF-style: chr3-52436653-A-C.
Other names: c.1967T>G, p.Phe656Cys (NM_001410772.1); short protein forms F674C, F656C.
Identifiers: ClinVar variation 4824090 (VCV004824090.1).

ClinVar aggregate classification (germline): Uncertain significance (1 of 4 stars; one submission).

Conditions:
Hereditary cancer-predisposing syndrome. Also called: Neoplastic Syndromes, Hereditary; Hereditary neoplastic syndrome; Tumor predisposition; Hereditary Cancer Syndrome. Identifiers: Orphanet 140162, MedGen C0027672, MeSH D009386, MONDO:0015356.

gnomAD v4.1: 2 of 1,614,202 alleles (0.00012%); highest among the groups gnomAD compares: Non-Finnish European, 0.00017%; no homozygotes.

Submission:

Ambry Genetics
Classification: Uncertain significance for Hereditary cancer-predisposing syndrome. Last evaluated: 2026-01-26. Review status: criteria provided, single submitter. Criteria: Ambry Variant Classification Scheme 2023. Collection method: clinical testing. Allele origin: germline.
Comment: The p.F674C variant (also known as c.2021T>G), located in coding exon 16 of the BAP1 gene, results from a T to G substitution at nucleotide position 2021. The phenylalanine at codon 674 is replaced by cysteine, an amino acid with highly dissimilar properties. This amino acid position is conserved. In addition, this alteration is predicted to be deleterious by in silico analysis. Based on the available evidence, the clinical significance of this variant remains unclear.